The following is an entry in ClinVar:

ClinVar aggregate classification (germline): Uncertain significance (1 of 4 stars; one submission).

Conditions:
Dyskeratosis congenita, autosomal recessive 5 (DKCB5). Identifiers: MedGen C3554656, MONDO:0014076, OMIM 615190.
Pulmonary fibrosis and/or bone marrow failure, Telomere-related, 3. Also called: PULMONARY FIBROSIS AND/OR BONE MARROW FAILURE SYNDROME, TELOMERE-RELATED, 3. Identifiers: Orphanet 2032, MedGen C4225346, MONDO:0014613, OMIM 616373.

Submission:

Labcorp Genetics (formerly Invitae), Labcorp
Classification: Uncertain significance for Dyskeratosis congenita, autosomal recessive 5; Pulmonary fibrosis and/or bone marrow failure, Telomere-related, 3. Last evaluated: 2022-11-28. Review status: criteria provided, single submitter. Criteria: Invitae Variant Classification Sherloc (09022015). Collection method: clinical testing. Allele origin: germline.
Comment: In summary, the available evidence is currently insufficient to determine the role of this variant in disease. Therefore, it has been classified as a Variant of Uncertain Significance. This sequence change replaces glycine, which is neutral and non-polar, with alanine, which is neutral and non-polar, at codon 514 of the RTEL1 protein (p.Gly514Ala). This variant is not present in population databases (gnomAD no frequency). This variant has not been reported in the literature in individuals affected with RTEL1-related conditions. Algorithms developed to predict the effect of missense changes on protein structure and function are either unavailable or do not agree on the potential impact of this missense change (SIFT: "Tolerated"; PolyPhen-2: "Probably Damaging"; Align-GVGD: "Class C0").

NM_001283009.2(RTEL1):c.1541G>C (p.Gly514Ala)

Genes: RTEL1 (regulator of telomere elongation helicase 1; plus strand), RTEL1-TNFRSF6B (RTEL1-TNFRSF6B readthrough (NMD candidate); plus strand). Cytogenetic location: 20q13.33.
Variant type: single nucleotide variant.
Coding change: c.1541G>C on transcript NM_001283009.2 (MANE Select); coding-DNA position 1541, G replaced by C.
Protein change: p.Gly514Ala; replaces glycine 514 with alanine.
Molecular consequence: missense variant. On other transcripts: non-coding transcript variant (1).
Genome position (GRCh38, 1-based): chr20:63,687,996, G>C. VCF-style: chr20-63687996-G-C. GRCh37 (hg19) VCF-style: chr20-62319349-G-C.
Other names: c.872G>C, p.Gly291Ala (NM_001283010.1); c.1541G>C, p.Gly514Ala (NM_016434.4); c.1613G>C, p.Gly538Ala (NM_032957.5); short protein forms G291A, G538A, G514A.
Identifiers: ClinVar variation 1909073 (VCV001909073.5), dbSNP rs2517116037, ClinGen allele CA409676747.